The following is an entry in ClinVar:

NM_003742.4(ABCB11):c.3315A>G (p.Pro1105=)

Gene: ABCB11 (ATP binding cassette subfamily B member 11; minus strand). Cytogenetic location: 2q31.1.
Variant type: single nucleotide variant.
Coding change: c.3315A>G on transcript NM_003742.4 (MANE Select); coding-DNA position 3315, A replaced by G.
Protein change: p.Pro1105=; no amino-acid change (proline 1105 retained).
Molecular consequence: synonymous variant.
Genome position (GRCh38, 1-based): chr2:168,930,761, T>C on the plus strand (A>G on the coding strand, the complement: ABCB11 is on the minus strand). VCF-style: chr2-168930761-T-C. GRCh37 (hg19) VCF-style: chr2-169787271-T-C.
Identifiers: ClinVar variation 4993424 (VCV004993424.1).

ClinVar aggregate classification (germline): Likely benign (1 of 4 stars; one submission).

Conditions:
ABCB11-related disorder. Also called: ABCB11-related condition.

Submission:

PreventionGenetics, part of Exact Sciences
Classification: Likely benign for ABCB11-related condition. Last evaluated: 2026-07-01. Review status: criteria provided, single submitter. Criteria: ACMG Guidelines, 2015. Collection method: clinical testing. Allele origin: germline.
Comment: This variant is classified as likely benign based on ACMG/AMP sequence variant interpretation guidelines (Richards et al. 2015 PMID: 25741868, with internal and published modifications).